The following is an entry in ClinVar:

ClinVar aggregate classification (germline): Pathogenic (1 of 4 stars; one submission).

Conditions:
Severe myoclonic epilepsy in infancy (DRVT). Also called: Epileptic encephalopathy, early infantile, 6 (Dravet syndrome); SEVERE MYOCLONIC EPILEPSY OF INFANCY; DEVELOPMENTAL AND EPILEPTIC ENCEPHALOPATHY 6A; Severe Myoclonic Epilepsy in Infancy (SMEI); Dravet syndrome. Identifiers: Orphanet 33069, MedGen C0751122, MONDO:0100135, OMIM 607208.

Submission:

Center for Bioinformatics, Peking University
Classification: Pathogenic for Dravet syndrome. Last evaluated: 2014-12-20. Review status: criteria provided, single submitter. Criteria: Xu et al. (Hum Mutat. 2015). Collection method: research. Allele origin: de novo. Affected: yes. Observed: 1 variant allele. Study: University Clinical Cooperation “985 Project” PKU-2014-1-1.
Comment: Dravet syndrome (DS) probands were recruited from the outpatient and inpatient child neurology units of Peking University First Hospital from 2005 till present. The study was approved by the Ethics Committee of Peking University First Hospital and the Institutional Review Board at Peking University. Participants or their parents provided written informed consent before enrollment. We collected a total of 267 mutations from 255 families with probands diagnosed with DS in China. All probands fulfilled the clinical diagnostic criteria.

NM_001165963.4(SCN1A):c.70G>A (p.Ala24Thr)

Gene: SCN1A (sodium voltage-gated channel alpha subunit 1; minus strand). Cytogenetic location: 2q24.3.
Variant type: single nucleotide variant.
Coding change: c.70G>A on transcript NM_001165963.4 (MANE Select); coding-DNA position 70, G replaced by A.
Protein change: p.Ala24Thr; replaces alanine 24 with threonine.
Molecular consequence: missense variant. On other transcripts: 5 prime UTR variant (1), non-coding transcript variant (1).
Genome position (GRCh38, 1-based): chr2:166,073,552, C>T on the plus strand (G>A on the coding strand, the complement: SCN1A is on the minus strand). VCF-style: chr2-166073552-C-T. GRCh37 (hg19) VCF-style: chr2-166930062-C-T.
Other names: c.70G>A, p.Ala24Thr (NM_001165964.3, NM_001202435.3, NM_001353948.2 and 10 more transcripts); c.-2356G>A (NM_001353961.2); short protein forms A24T.
Identifiers: ClinVar variation 190023 (VCV000190023.1), dbSNP rs794726848, ClinGen allele CA303581.